The following is an entry in ClinVar:

NM_182914.3(SYNE2):c.20497GAG[2] (p.Glu6835del)

Gene: SYNE2 (spectrin repeat containing nuclear envelope protein 2; plus strand). Cytogenetic location: 14q23.2.
Variant type: Microsatellite.
Coding change: c.20497GAG[2] on transcript NM_182914.3 (MANE Select); two copies in a row of the 3-base unit GAG starting at c.20497; the reference has three copies in a row; one copy, 3 bases deleted.
Protein change: p.Glu6835del; deletes glutamic acid 6835.
Molecular consequence: inframe deletion.
Genome position (GRCh38, 1-based): chr14:64,225,032-64,225,034, GAG deleted; deleting any 3 consecutive bases within chr14:64,225,026-64,225,034 gives the same sequence; the position shown is the placement nearest the transcript's 3' end. VCF-style (leftmost placement, unchanged base first): chr14-64225025-CGAG-C. GRCh37 (hg19) VCF-style: chr14-64691743-CGAG-C.
Other names: c.20431GAG[2], p.Glu6813del (NM_015180.6); c.1063GAG[2], p.Glu357del (NM_182910.2); c.1444GAG[2], p.Glu484del (NM_182913.4); short protein forms E357del, E484del, E6813del, E6835del.
Identifiers: ClinVar variation 1010665 (VCV001010665.8), dbSNP rs780096549, ClinGen allele CA7224901.

ClinVar aggregate classification (germline): Uncertain significance (1 of 4 stars; one submission).

Conditions:
Emery-Dreifuss muscular dystrophy 5, autosomal dominant (EDMD5). Also called: EMERY-DREIFUSS MUSCULAR DYSTROPHY 5. Identifiers: Orphanet 261, MedGen C2751805, MONDO:0013072, OMIM 612999.

Submission:

Labcorp Genetics (formerly Invitae), Labcorp
Classification: Uncertain significance for Emery-Dreifuss muscular dystrophy 5, autosomal dominant. Last evaluated: 2022-06-24. Review status: criteria provided, single submitter. Criteria: Invitae Variant Classification Sherloc (09022015). Collection method: clinical testing. Allele origin: germline.
Comment: In summary, the available evidence is currently insufficient to determine the role of this variant in disease. Therefore, it has been classified as a Variant of Uncertain Significance. Experimental studies and prediction algorithms are not available or were not evaluated, and the functional significance of this variant is currently unknown. This variant has not been reported in the literature in individuals affected with SYNE2-related conditions. This variant is present in population databases (rs780096549, gnomAD 0.05%), and has an allele count higher than expected for a pathogenic variant. This variant, c.20503_20505del, results in the deletion of 1 amino acid(s) of the SYNE2 protein (p.Glu6835del), but otherwise preserves the integrity of the reading frame.